The following is an entry in ClinVar:

ClinVar aggregate classification (germline): Uncertain significance (1 of 4 stars; one submission).

Conditions:
Microcephaly, normal intelligence and immunodeficiency (NBS). Also called: Immunodeficiency, microcephaly with normal intelligence; SEEMANOVA SYNDROME II; Nijmegen breakage syndrome; Microcephaly with normal intelligence immunodeficiency and lymphoreticular malignancies; Nonsyndromal microcephaly autosomal recessive with normal intelligence; Seemanova syndrome 2. Identifiers: Orphanet 647, MedGen C0398791, MONDO:0009623, OMIM 251260.

Submission:

Labcorp Genetics (formerly Invitae), Labcorp
Classification: Uncertain significance for Microcephaly, normal intelligence and immunodeficiency. Last evaluated: 2021-09-18. Review status: criteria provided, single submitter. Criteria: Invitae Variant Classification Sherloc (09022015). Collection method: clinical testing. Allele origin: germline.
Comment: This sequence change falls in intron 1 of the NBN gene. It does not directly change the encoded amino acid sequence of the NBN protein. It affects a nucleotide within the consensus splice site of the intron. This variant is not present in population databases (ExAC no frequency). This variant has not been reported in the literature in individuals affected with NBN-related conditions. ClinVar contains an entry for this variant (Variation ID: 631232). Variants that disrupt the consensus splice site are a relatively common cause of aberrant splicing (PMID: 17576681, 9536098). Algorithms developed to predict the effect of sequence changes on RNA splicing suggest that this variant is not likely to affect RNA splicing. In summary, the available evidence is currently insufficient to determine the role of this variant in disease. Therefore, it has been classified as a Variant of Uncertain Significance.

Literature cited by the submitters: PubMed 17576681; PubMed 9536098.

NM_002485.5(NBN):c.38-3C>T

Gene: NBN (nibrin; minus strand). Cytogenetic location: 8q21.3.
Variant type: single nucleotide variant.
Coding change: c.38-3C>T on transcript NM_002485.5 (MANE Select); 3 bases into the intron before coding-DNA position 38, C replaced by T.
Molecular consequence: intron variant.
Genome position (GRCh38, 1-based): chr8:89,982,858, G>A on the plus strand (C>T on the coding strand, the complement: NBN is on the minus strand). VCF-style: chr8-89982858-G-A. GRCh37 (hg19) VCF-style: chr8-90995086-G-A.
Other names: c.-259-3C>T (NM_001024688.3).
Identifiers: ClinVar variation 631232 (VCV000631232.8), dbSNP rs876661099, ClinGen allele CA913187652.